The following is an entry in ClinVar:

ClinVar aggregate classification (germline): Uncertain significance (1 of 4 stars; one submission).

Allele frequency attached by ClinVar (database versions not stated): gnomAD exomes 0.00001; TOPMed 0.00001; ExAC 0.00003.
gnomAD v4.1: 8 of 1,584,546 alleles (0.0005%); highest among the groups gnomAD compares: African/African-American, 0.0027%; no homozygotes.

Submission:

Labcorp Genetics (formerly Invitae), Labcorp
Classification: Uncertain significance. Last evaluated: 2023-08-24. Review status: criteria provided, single submitter. Criteria: Invitae Variant Classification Sherloc (09022015). Collection method: clinical testing. Allele origin: germline.
Comment: In summary, the available evidence is currently insufficient to determine the role of this variant in disease. Therefore, it has been classified as a Variant of Uncertain Significance. An algorithm developed to predict the effect of missense changes on protein structure and function (PolyPhen-2) suggests that this variant is likely to be tolerated. ClinVar contains an entry for this variant (Variation ID: 1941445). This variant has not been reported in the literature in individuals affected with A4GALT-related conditions. This variant is present in population databases (rs753066386, gnomAD 0.01%). This sequence change replaces proline, which is neutral and non-polar, with serine, which is neutral and polar, at codon 4 of the A4GALT protein (p.Pro4Ser).

NM_017436.7(A4GALT):c.10C>T (p.Pro4Ser)

Gene: A4GALT (alpha 1,4-galactosyltransferase (P1PK blood group); minus strand). Cytogenetic location: 22q13.2.
Variant type: single nucleotide variant.
Coding change: c.10C>T on transcript NM_017436.7 (MANE Select); coding-DNA position 10, C replaced by T.
Protein change: p.Pro4Ser; replaces proline 4 with serine.
Molecular consequence: missense variant.
Genome position (GRCh38, 1-based): chr22:42,693,942, G>A on the plus strand (C>T on the coding strand, the complement: A4GALT is on the minus strand). VCF-style: chr22-42693942-G-A. GRCh37 (hg19) VCF-style: chr22-43089948-G-A.
Other names: c.10C>T, p.Pro4Ser (NM_001318038.3); short protein forms P4S.
Identifiers: ClinVar variation 1941445 (VCV001941445.5), dbSNP rs753066386, ClinGen allele CA10270415.